The following is an entry in ClinVar:

NM_000540.3(RYR1):c.8512A>G (p.Lys2838Glu)

Genes: RYR1 (ryanodine receptor 1; plus strand), LOC126862902 (BRD4-independent group 4 enhancer GRCh37_chr19:38995830-38997029; plus strand). Cytogenetic location: 19q13.2.
Variant type: single nucleotide variant.
Coding change: c.8512A>G on transcript NM_000540.3 (MANE Select); coding-DNA position 8512, A replaced by G.
Protein change: p.Lys2838Glu; replaces lysine 2838 with glutamic acid.
Molecular consequence: missense variant.
Genome position (GRCh38, 1-based): chr19:38,505,917, A>G. VCF-style: chr19-38505917-A-G. GRCh37 (hg19) VCF-style: chr19-38996557-A-G.
Other names: c.8512A>G, p.Lys2838Glu (NM_001042723.2); short protein forms K2838E.
Identifiers: ClinVar variation 3385475 (VCV003385475.1).

ClinVar aggregate classification (germline): Uncertain significance (1 of 4 stars; one submission).

Conditions:
Malignant hyperthermia, susceptibility to, 1 (MHS1). Also called: Anesthesia related hyperthermia; Malignant hyperpyrexia; Fulminating hyperpyrexia; Pharmacogenic myopathy; Malignant hyperthermia suceptibility 1; RYR1-Related Malignant Hyperthermia Susceptibility. Identifiers: Orphanet 423, MedGen C2930980, MONDO:0007783, OMIM 145600.

gnomAD v4.1: 2 of 1,613,726 alleles (0.00012%); highest among the groups gnomAD compares: Non-Finnish European, 0.000085%; no homozygotes.

Submission:

All of Us Research Program, National Institutes of Health
Classification: Uncertain significance for Malignant hyperthermia, susceptibility to, 1. Last evaluated: 2024-08-13. Review status: criteria provided, single submitter. Criteria: ACMG Guidelines, 2015. Collection method: clinical testing. Allele origin: germline. Inheritance: Autosomal dominant inheritance. Observed: 1 variant allele, 1 heterozygote.
Comment: This missense variant replaces lysine with glutamic acid at codon 2838 of the RYR1 protein. Computational prediction suggests that this variant may not impact protein structure and function (internally defined REVEL score threshold <= 0.5, PMID: 27666373). To our knowledge, functional studies have not been reported for this variant. This variant has not been reported in individuals affected with RYR1-related disorders in the literature. This variant has not been identified in the general population by the Genome Aggregation Database (gnomAD). The available evidence is insufficient to determine the role of this variant in disease conclusively. Therefore, this variant is classified as a Variant of Uncertain Significance.

This study involves interpretation of variants in research participants for the purpose of population health screening. Participant phenotype was not available at the time of variant classification. Additional details can be found in publication PMID: 35346344, PMCID: PMC8962531